The following is an entry in ClinVar:

NM_004946.3(DOCK2):c.167A>G (p.Gln56Arg)

Gene: DOCK2 (dedicator of cytokinesis 2; plus strand). Cytogenetic location: 5q35.1.
Variant type: single nucleotide variant.
Coding change: c.167A>G on transcript NM_004946.3 (MANE Select); coding-DNA position 167, A replaced by G.
Protein change: p.Gln56Arg; replaces glutamine 56 with arginine.
Molecular consequence: missense variant. On other transcripts: non-coding transcript variant (1).
Genome position (GRCh38, 1-based): chr5:169,669,327, A>G. VCF-style: chr5-169669327-A-G. GRCh37 (hg19) VCF-style: chr5-169096331-A-G.
Other names: short protein forms Q56R.
Identifiers: ClinVar variation 2116565 (VCV002116565.4), dbSNP rs2532435169, ClinGen allele CA362102088.
Genomic context (GRCh38, chr5:169,669,327, plus strand): 5'-TTCTTTGTTTTCTTTTTGCAGACTGGTATAGGGGATACCTCATAAAGCACAAAATGTTAC[A>G]GGTAAGGTCACCTGGTTTTTATTTGTGTCAGTACTGGAGGTCTTCATATGGCCCCGCTAT-3'
Protein context (NP_004937.1, residues 46-66): RGYLIKHKML[Gln56Arg]GIFPKSFIHI

ClinVar aggregate classification (germline): Uncertain significance (1 of 4 stars; one submission).

Conditions:
DOCK2 deficiency. Also called: Immunodeficiency 40. Identifiers: Orphanet 447737, MedGen C4225328, MONDO:0014637, OMIM 616433.

Submission:

Labcorp Genetics (formerly Invitae), Labcorp
Classification: Uncertain significance for DOCK2 deficiency. Last evaluated: 2024-08-12. Review status: criteria provided, single submitter. Criteria: Invitae Variant Classification Sherloc (09022015). Collection method: clinical testing. Allele origin: germline.
Comment: This sequence change replaces glutamine, which is neutral and polar, with arginine, which is basic and polar, at codon 56 of the DOCK2 protein (p.Gln56Arg). This variant is not present in population databases (gnomAD no frequency). This variant has not been reported in the literature in individuals affected with DOCK2-related conditions. ClinVar contains an entry for this variant (Variation ID: 2116565). An algorithm developed to predict the effect of missense changes on protein structure and function (PolyPhen-2) suggests that this variant is likely to be tolerated. Algorithms developed to predict the effect of sequence changes on RNA splicing suggest that this variant may disrupt the consensus splice site. In summary, the available evidence is currently insufficient to determine the role of this variant in disease. Therefore, it has been classified as a Variant of Uncertain Significance.